The following is an entry in ClinVar:

ClinVar aggregate classification (germline): Uncertain significance (1 of 4 stars; one submission).

Conditions:
Wilson disease (WND). Also called: Wilson's disease. Identifiers: Orphanet 905, MedGen C0019202, MONDO:0010200, OMIM 277900. Disease mechanism: loss of function.

Submission:

Color Diagnostics, LLC DBA Color Health
Classification: Uncertain significance for Wilson disease. Last evaluated: 2025-08-22. Review status: criteria provided, single submitter. Criteria: ACMG Guidelines, 2015. Collection method: clinical testing. Allele origin: germline.
Comment: This missense variant replaces tyrosine with cysteine at codon 1376 of the ATP7B protein. Computational prediction suggests that this variant may have deleterious impact on protein structure and function. To our knowledge, functional studies have not been reported for this variant. This variant has not been reported in individuals affected with ATP7B-related disorders in the literature. This variant has not been identified in the general population by the Genome Aggregation Database (gnomAD). The available evidence is insufficient to determine the role of this variant in disease conclusively. Therefore, this variant is classified as a Variant of Uncertain Significance.

NM_000053.4(ATP7B):c.4127A>G (p.Tyr1376Cys)

Gene: ATP7B (ATPase copper transporting beta; minus strand). Cytogenetic location: 13q14.3.
Variant type: single nucleotide variant.
Coding change: c.4127A>G on transcript NM_000053.4 (MANE Select); coding-DNA position 4127, A replaced by G.
Protein change: p.Tyr1376Cys; replaces tyrosine 1376 with cysteine.
Molecular consequence: missense variant.
Genome position (GRCh38, 1-based): chr13:51,935,027, T>C on the plus strand (A>G on the coding strand, the complement: ATP7B is on the minus strand). VCF-style: chr13-51935027-T-C. GRCh37 (hg19) VCF-style: chr13-52509163-T-C.
Other names: c.3506A>G, p.Tyr1169Cys (NM_001005918.3); c.3794A>G, p.Tyr1265Cys (NM_001243182.2); c.3893A>G, p.Tyr1298Cys (NM_001330578.2, NM_001406527.1, NM_001406528.1); c.3875A>G, p.Tyr1292Cys (NM_001330579.2, NM_001406531.1, NM_001406532.1); c.4127A>G, p.Tyr1376Cys (NM_001406511.1, NM_001406512.1); c.4121A>G, p.Tyr1374Cys (NM_001406513.1); c.4094A>G, p.Tyr1365Cys (NM_001406514.1); c.4073A>G, p.Tyr1358Cys (NM_001406515.1, NM_001406516.1); and 21 more; short protein forms Y1095C, Y1149C, Y1160C, Y1169C, Y1182C, Y1212C, Y1214C, Y1227C.
Identifiers: ClinVar variation 4756276 (VCV004756276.1).